The following is an entry in ClinVar:

NM_000257.4(MYH7):c.353C>T (p.Ser118Leu)

Gene: MYH7 (myosin heavy chain 7; minus strand). Cytogenetic location: 14q11.2.
Variant type: single nucleotide variant.
Coding change: c.353C>T on transcript NM_000257.4 (MANE Select); coding-DNA position 353, C replaced by T.
Protein change: p.Ser118Leu; replaces serine 118 with leucine.
Molecular consequence: missense variant.
Genome position (GRCh38, 1-based): chr14:23,432,788, G>A on the plus strand (C>T on the coding strand, the complement: MYH7 is on the minus strand). VCF-style: chr14-23432788-G-A. GRCh37 (hg19) VCF-style: chr14-23901997-G-A.
Other names: c.353C>T, p.Ser118Leu (NM_001407004.1); short protein forms S118L.
Identifiers: ClinVar variation 2736096 (VCV002736096.17), dbSNP rs1893002285, ClinGen allele CA389052998.

ClinVar aggregate classification (germline): Conflicting classifications of pathogenicity. Review status: criteria provided, conflicting classifications (1 of 4 stars). 3 submissions from 3 submitters: Likely pathogenic (1); Uncertain significance (2). Last evaluated 2025-02-01.

Conditions:
Hypertrophic cardiomyopathy. Also called: HYPERTROPHIC MYOCARDIOPATHY. Identifiers: Orphanet 217569, MedGen C0007194, MeSH D002312, MONDO:0005045, HP:0001639.
Cardiomyopathy (CMYO). Also called: Cardiomyopathies. Identifiers: Orphanet 167848, MedGen C0878544, MONDO:0004994, HP:0001638. Inheritance: Various modes of inheritance.

gnomAD v4.1: 2 of 1,614,204 alleles (0.00012%); highest among the groups gnomAD compares: Non-Finnish European, 0.00017%; no homozygotes.

Submissions (3):

CeGaT Center for Human Genetics Tuebingen
Classification: Uncertain significance. Last evaluated: 2025-02-01. Review status: criteria provided, single submitter. Criteria: CeGaT Center For Human Genetics Tuebingen Variant Classification Criteria Version 2. Collection method: clinical testing. Allele origin: germline. Affected: yes. Observed: 1 variant allele.
Comment: MYH7: PS4:Moderate, PM2:Supporting, PP3

Labcorp Genetics (formerly Invitae), Labcorp
Classification: Likely pathogenic for Hypertrophic cardiomyopathy. Last evaluated: 2024-08-01. Review status: criteria provided, single submitter. Criteria: Invitae Variant Classification Sherloc (09022015). Collection method: clinical testing. Allele origin: germline.
Comment: This sequence change replaces serine, which is neutral and polar, with leucine, which is neutral and non-polar, at codon 118 of the MYH7 protein (p.Ser118Leu). This variant is not present in population databases (gnomAD no frequency). This missense change has been observed in individuals with hypertrophic cardiomyopathy (PMID: 24111713, 27574918, 29398688; Invitae). Advanced modeling of protein sequence and biophysical properties (such as structural, functional, and spatial information, amino acid conservation, physicochemical variation, residue mobility, and thermodynamic stability) performed at Invitae indicates that this missense variant is expected to disrupt MYH7 protein function with a positive predictive value of 95%. In summary, the currently available evidence indicates that the variant is pathogenic, but additional data are needed to prove that conclusively. Therefore, this variant has been classified as Likely Pathogenic.

All of Us Research Program, National Institutes of Health
Classification: Uncertain significance for Cardiomyopathy. Last evaluated: 2023-08-23. Review status: criteria provided, single submitter. Criteria: ACMG Guidelines, 2015. Collection method: clinical testing. Allele origin: germline. Inheritance: Autosomal dominant inheritance. Observed: 1 variant allele, 1 heterozygote.
Comment: This missense variant replaces serine with leucine at codon 118 of the MYH7 protein. Computational prediction suggests that this variant may have a deleterious impact on protein structure and function (internally defined REVEL score threshold >= 0.7, PMID: 27666373). To our knowledge, functional studies have not been reported for this variant. This variant has been reported in individuals affected with hypertrophic cardiomyopathy (PMID: 24111713, 29398688). This variant has not been identified in the general population by the Genome Aggregation Database (gnomAD). The available evidence is insufficient to determine the role of this variant in disease conclusively. Therefore, this variant is classified as a Variant of Uncertain Significance.

This study involves interpretation of variants in research participants for the purpose of population health screening. Participant phenotype was not available at the time of variant classification. Additional details can be found in publication PMID: 35346344, PMCID: PMC8962531

Literature cited by the submitters: PubMed 24111713 (cited by Labcorp Genetics (formerly Invitae), Labcorp and All of Us Research Program, National Institutes of Health); PubMed 27574918 (cited by Labcorp Genetics (formerly Invitae), Labcorp); PubMed 29398688 (cited by Labcorp Genetics (formerly Invitae), Labcorp and All of Us Research Program, National Institutes of Health).